The following is an entry in ClinVar:

ClinVar aggregate classification (germline): Uncertain significance (1 of 4 stars; one submission).

Conditions:
Inborn genetic diseases. Identifiers: MedGen C0950123, MeSH D030342.

gnomAD v4.1: 1 of 1,613,650 alleles (0.000062%); highest among the groups gnomAD compares: Non-Finnish European, 0.000085%; no homozygotes.

Submission:

Ambry Genetics
Classification: Uncertain significance for Inborn genetic diseases. Last evaluated: 2025-12-12. Review status: criteria provided, single submitter. Criteria: Ambry Variant Classification Scheme 2023. Collection method: clinical testing. Allele origin: germline.
Comment: The p.K556N variant (also known as c.1668G>C), located in coding exon 16 of the DDX41 gene, results from a G to C substitution at nucleotide position 1668. The lysine at codon 556 is replaced by asparagine, an amino acid with similar properties. This amino acid position is highly conserved in available vertebrate species. In addition, this alteration is predicted to be tolerated by in silico analysis. Based on the available evidence, the clinical significance of this variant remains unclear.

NM_016222.4(DDX41):c.1668G>C (p.Lys556Asn)

Gene: DDX41 (DEAD-box helicase 41; minus strand). Cytogenetic location: 5q35.3.
Variant type: single nucleotide variant.
Coding change: c.1668G>C on transcript NM_016222.4 (MANE Select); coding-DNA position 1668, G replaced by C.
Protein change: p.Lys556Asn; replaces lysine 556 with asparagine.
Molecular consequence: missense variant.
Genome position (GRCh38, 1-based): chr5:177,512,160, C>G on the plus strand (G>C on the coding strand, the complement: DDX41 is on the minus strand). VCF-style: chr5-177512160-C-G. GRCh37 (hg19) VCF-style: chr5-176939161-C-G.
Other names: c.1290G>C, p.Lys430Asn (NM_001321732.2, NM_001321830.2); short protein forms K556N, K430N.
Identifiers: ClinVar variation 4617214 (VCV004617214.1).